The following is an entry in ClinVar:

ClinVar aggregate classification (germline): Uncertain significance. Review status: criteria provided, multiple submitters, no conflicts (2 of 4 stars). 3 submissions from 3 submitters: Uncertain significance (3). Last evaluated 2025-05-22.

Conditions:
Familial cancer of breast. Also called: hereditary breast carcinoma; BREAST CANCER, FAMILIAL; Hereditary breast cancer. Identifiers: Orphanet 227535, MedGen C0346153, MONDO:0016419, OMIM 114480. Disease mechanism: loss of function.
Fanconi anemia complementation group J. Also called: BRIP1-Related Fanconi Anemia. Identifiers: Orphanet 84, MedGen C1836860, MONDO:0012187, OMIM 609054.
Hereditary cancer-predisposing syndrome. Also called: Hereditary Cancer Syndrome; Hereditary neoplastic syndrome; Neoplastic Syndromes, Hereditary; Tumor predisposition. Identifiers: Orphanet 140162, MedGen C0027672, MeSH D009386, MONDO:0015356.

Submissions (3):

Ambry Genetics
Classification: Uncertain significance for Hereditary cancer-predisposing syndrome. Last evaluated: 2025-05-22. Review status: criteria provided, single submitter. Criteria: Ambry Variant Classification Scheme 2023. Collection method: clinical testing. Allele origin: germline.
Comment: The p.H435D variant (also known as c.1303C>G), located in coding exon 8 of the BRIP1 gene, results from a C to G substitution at nucleotide position 1303. The histidine at codon 435 is replaced by aspartic acid, an amino acid with similar properties. This amino acid position is conserved. In addition, this alteration is predicted to be deleterious by in silico analysis. Based on the available evidence, the clinical significance of this variant remains unclear.

Labcorp Genetics (formerly Invitae), Labcorp
Classification: Uncertain significance for Familial cancer of breast; Fanconi anemia complementation group J. Last evaluated: 2024-09-23. Review status: criteria provided, single submitter. Criteria: Invitae Variant Classification Sherloc (09022015). Collection method: clinical testing. Allele origin: germline.
Comment: This sequence change replaces histidine, which is basic and polar, with aspartic acid, which is acidic and polar, at codon 435 of the BRIP1 protein (p.His435Asp). This variant is not present in population databases (gnomAD no frequency). This variant has not been reported in the literature in individuals affected with BRIP1-related conditions. ClinVar contains an entry for this variant (Variation ID: 924685). Invitae Evidence Modeling of protein sequence and biophysical properties (such as structural, functional, and spatial information, amino acid conservation, physicochemical variation, residue mobility, and thermodynamic stability) indicates that this missense variant is expected to disrupt BRIP1 protein function with a positive predictive value of 80%. In summary, the available evidence is currently insufficient to determine the role of this variant in disease. Therefore, it has been classified as a Variant of Uncertain Significance.

Color Diagnostics, LLC DBA Color Health
Classification: Uncertain significance for Hereditary cancer-predisposing syndrome. Last evaluated: 2024-03-07. Review status: criteria provided, single submitter. Criteria: ACMG Guidelines, 2015. Collection method: clinical testing. Allele origin: germline.
Comment: This missense variant replaces histidine with aspartic acid at codon 435 of the BRIP1 protein. Computational prediction tool is inconclusive regarding the impact of this variant on protein structure and function (internally defined REVEL score threshold 0.5 < inconclusive < 0.7, PMID: 27666373). Splice site prediction tools suggest that this variant may not impact RNA splicing. To our knowledge, functional studies have not been performed for this variant. This variant has not been reported in individuals affected with hereditary cancer in the literature. This variant has not been identified in the general population by the Genome Aggregation Database (gnomAD). The available evidence is insufficient to determine the role of this variant in disease conclusively. Therefore, this variant is classified as a Variant of Uncertain Significance.

NM_032043.3(BRIP1):c.1303C>G (p.His435Asp)

Gene: BRIP1 (BRCA1 interacting DNA helicase 1; minus strand). Cytogenetic location: 17q23.2.
Variant type: single nucleotide variant.
Coding change: c.1303C>G on transcript NM_032043.3 (MANE Select); coding-DNA position 1303, C replaced by G.
Protein change: p.His435Asp; replaces histidine 435 with aspartic acid.
Molecular consequence: missense variant.
Genome position (GRCh38, 1-based): chr17:61,799,137, G>C on the plus strand (C>G on the coding strand, the complement: BRIP1 is on the minus strand). VCF-style: chr17-61799137-G-C. GRCh37 (hg19) VCF-style: chr17-59876498-G-C.
Other names: short protein forms H435D.
Identifiers: ClinVar variation 924685 (VCV000924685.7), dbSNP rs1060501758, ClinGen allele CA400483475.
Genomic context (GRCh38, chr17:61,799,137, plus strand): 5'-CACTAATAGACAAATCTTCTTACTTAATGAGGCTACAGCACACAGCTCGTAGGGGTTCAT[G>C]ATCTTTCTTCCTTATATTATTGTTGACCATACTATCTAGTTCATCCCGAGCAAACCGAAG-3'
Protein context (NP_114432.2, residues 425-445): MVNNNIRKKD[His435Asp]EPLRAVCCSL